The following is an entry in ClinVar:

ClinVar aggregate classification (germline): Benign/Likely benign. Review status: criteria provided, multiple submitters, no conflicts (2 of 4 stars). 10 submissions from 10 submitters: Benign (5); Likely benign (5). Last evaluated 2026-04-01.

Conditions:
Inborn genetic diseases. Identifiers: MedGen C0950123, MeSH D030342.
Cortical dysplasia-focal epilepsy syndrome (PTHSL1). Also called: Pitt-Hopkins-like syndrome 1. Identifiers: Orphanet 163681, Orphanet 221150, MedGen C2750246, MONDO:0012400, OMIM 610042.

Allele frequency attached by ClinVar (database versions not stated): gnomAD exomes 0.00039 and 0.00097; ExAC 0.00118; gnomAD 0.00316 and 0.00330; ESP Exome Variant Server 0.00338; TOPMed 0.00363; 1000 Genomes Project 30x 0.00562; 1000 Genomes Project 0.00579.
gnomAD v4.1: 1,073 of 1,614,092 alleles (0.066%); highest among the groups gnomAD compares: African/African-American, 0.96%; 5 homozygotes.

Submissions (10):

CeGaT Center for Human Genetics Tuebingen
Classification: Likely benign. Last evaluated: 2026-04-01. Review status: criteria provided, single submitter. Criteria: CeGaT Center For Human Genetics Tuebingen Variant Classification Criteria Version 2. Collection method: clinical testing. Allele origin: germline. Affected: yes. Observed: 1 variant allele.
Comment: CNTNAP2: BP4, BP7

Labcorp Genetics (formerly Invitae), Labcorp
Classification: Benign for Cortical dysplasia-focal epilepsy syndrome. Last evaluated: 2026-01-31. Review status: criteria provided, single submitter. Criteria: Invitae Variant Classification Sherloc (09022015). Collection method: clinical testing. Allele origin: germline.

ARUP Laboratories, Molecular Genetics and Genomics, ARUP Laboratories
Classification: Benign. Last evaluated: 2025-03-13. Review status: criteria provided, single submitter. Criteria: ARUP Molecular Germline Variant Investigation Process 2024. Collection method: clinical testing. Allele origin: germline.

Blueprint Genetics
Classification: Likely benign. Last evaluated: 2024-11-07. Review status: criteria provided, single submitter. Criteria: ACMG Guidelines, 2015. Collection method: clinical testing. Allele origin: germline.

Genetic Services Laboratory, University of Chicago
Classification: Benign. Last evaluated: 2018-12-03. Review status: criteria provided, single submitter. Criteria: ACMG Guidelines, 2015. Collection method: clinical testing. Allele origin: germline. Affected: no.

Athena Diagnostics
Classification: Likely benign. Last evaluated: 2017-11-14. Review status: criteria provided, single submitter. Criteria: Athena Diagnostics Criteria. Collection method: clinical testing. Allele origin: germline.

Ambry Genetics
Classification: Likely benign for Inborn genetic diseases. Last evaluated: 2016-03-21. Review status: criteria provided, single submitter. Criteria: Ambry Variant Classification Scheme 2023. Collection method: clinical testing. Allele origin: germline.

Eurofins Ntd Llc (ga)
Classification: Benign. Last evaluated: 2013-08-09. Review status: criteria provided, single submitter. Criteria: EGL Classification Definitions 2015. Collection method: clinical testing. Allele origin: germline. Observed: 1 variant allele, 1 heterozygote.

GeneDx
Classification: Benign. Last evaluated: 2013-01-14. Review status: criteria provided, single submitter. Criteria: GeneDx Variant Classification (06012015). Collection method: clinical testing. Allele origin: germline. Affected: yes.
Comment: This variant is considered likely benign or benign based on one or more of the following criteria: it is a conservative change, it occurs at a poorly conserved position in the protein, it is predicted to be benign by multiple in silico algorithms, and/or has population frequency not consistent with disease.

Breakthrough Genomics
Classification: Likely benign. Review status: criteria provided, single submitter. Criteria: ACMG Guidelines, 2015. Collection method: not provided. Allele origin: germline. Inheritance: Autosomal recessive inheritance. Affected: yes.

NM_014141.6(CNTNAP2):c.2892G>A (p.Ser964=)

Genes: CNTNAP2 (contactin associated protein 2; plus strand), LOC126860216 (BRD4-independent group 4 enhancer GRCh37_chr7:147868766-147869965; plus strand). Cytogenetic location: 7q35.
Variant type: single nucleotide variant.
Coding change: c.2892G>A on transcript NM_014141.6 (MANE Select); coding-DNA position 2892, G replaced by A.
Protein change: p.Ser964=; no amino-acid change (serine 964 retained).
Molecular consequence: synonymous variant.
Genome position (GRCh38, 1-based): chr7:148,172,360, G>A. VCF-style: chr7-148172360-G-A. GRCh37 (hg19) VCF-style: chr7-147869452-G-A.
Other names: p.S964S:TCG>TCA.
Identifiers: ClinVar variation 95565 (VCV000095565.67), dbSNP rs148104020, ClinGen allele CA285683.